The following is an entry in ClinVar:

NM_000051.4(ATM):c.6293_6295del (p.Leu2098del)

Genes: ATM (ATM serine/threonine kinase; plus strand), C11orf65 (chromosome 11 open reading frame 65; minus strand). Cytogenetic location: 11q22.3.
Variant type: Deletion.
Coding change: c.6293_6295del on transcript NM_000051.4 (MANE Select); coding-DNA positions 6293 to 6295, 3 bases deleted (TTC; older notation c.6293_6295delTTC).
Protein change: p.Leu2098del; deletes leucine 2098.
Molecular consequence: inframe deletion. On other transcripts: intron variant (2).
Genome position (GRCh38, 1-based): chr11:108,317,467-108,317,469, TTC deleted; deleting any 3 consecutive bases within chr11:108,317,466-108,317,469 gives the same sequence; the c. name uses the placement nearest the transcript's 3' end. VCF-style (leftmost placement, unchanged base first): chr11-108317465-ACTT-A. GRCh37 (hg19) VCF-style: chr11-108188192-ACTT-A.
Other names: c.6293_6295del, p.Leu2098del (NM_001351834.2); c.641-8397_641-8395del (NM_001330368.2); c.*39-8397_*39-8395del (NM_001351110.2); short protein forms L2098del.
Identifiers: ClinVar variation 2774693 (VCV002774693.1), dbSNP rs2547115842, ClinGen allele CA2697558929.

ClinVar aggregate classification (germline): Uncertain significance (1 of 4 stars; one submission).

Conditions:
Hereditary cancer-predisposing syndrome. Also called: Tumor predisposition; Neoplastic Syndromes, Hereditary; Hereditary Cancer Syndrome; Hereditary neoplastic syndrome. Identifiers: Orphanet 140162, MedGen C0027672, MeSH D009386, MONDO:0015356.

Submission:

Color Diagnostics, LLC DBA Color Health
Classification: Uncertain significance for Hereditary cancer-predisposing syndrome. Last evaluated: 2021-11-15. Review status: criteria provided, single submitter. Criteria: ACMG Guidelines, 2015. Collection method: clinical testing. Allele origin: germline.
Comment: This variant is located in the ATM protein and results in an in-frame deletion of leucine at position 2098. To our knowledge, functional studies have not been reported for this variant. This variant has not been reported in individuals affected with hereditary cancer in the literature. This variant has not been identified in the general population by the Genome Aggregation Database (gnomAD). The available evidence is insufficient to determine the role of this variant in disease conclusively. Therefore, this variant is classified as a Variant of Uncertain Significance.